The following is an entry in ClinVar:

ClinVar aggregate classification (germline): Conflicting classifications of pathogenicity. Review status: criteria provided, conflicting classifications (1 of 4 stars). 2 submissions from 2 submitters: Uncertain significance (1); Benign (1). Last evaluated 2026-04-22.

Conditions:
Familial cancer of breast. Also called: BREAST CANCER, FAMILIAL; Hereditary breast cancer; hereditary breast carcinoma. Identifiers: Orphanet 227535, MedGen C0346153, MONDO:0016419, OMIM 114480. Disease mechanism: loss of function.
Hereditary cancer-predisposing syndrome. Also called: Neoplastic Syndromes, Hereditary; Tumor predisposition; Hereditary Cancer Syndrome; Hereditary neoplastic syndrome. Identifiers: Orphanet 140162, MedGen C0027672, MeSH D009386, MONDO:0015356.

Submissions (2):

Ambry Genetics
Classification: Uncertain significance for Hereditary cancer-predisposing syndrome. Last evaluated: 2026-04-22. Review status: criteria provided, single submitter. Criteria: Ambry Variant Classification Scheme 2023. Collection method: clinical testing. Allele origin: germline.
Comment: The c.2643T>C variant (also known as p.G881G), located in coding exon 7 of the PALB2 gene, results from a T to C substitution at nucleotide position 2643. This nucleotide substitution does not change the amino acid at codon 881. This nucleotide position is not well conserved in available vertebrate species. In silico splice site analysis for this alteration is inconclusive and direct evidence is insufficient at this time (Ambry internal data). Based on the available evidence, the clinical significance of this variant remains unclear.

Myriad Genetics, Inc.
Classification: Benign for Familial cancer of breast. Last evaluated: 2025-01-17. Review status: criteria provided, single submitter. Criteria: Myriad Autosomal Dominant, Autosomal Recessive and X-Linked Classification Criteria (2023). Collection method: clinical testing. Allele origin: unknown.
Comment: This variant is considered benign. This variant is a silent/synonymous amino acid change and it is not expected to impact splicing.

NM_024675.4(PALB2):c.2643T>C (p.Gly881=)

Gene: PALB2 (partner and localizer of BRCA2; minus strand). Cytogenetic location: 16p12.2.
Variant type: single nucleotide variant.
Coding change: c.2643T>C on transcript NM_024675.4 (MANE Select); coding-DNA position 2643, T replaced by C.
Protein change: p.Gly881=; no amino-acid change (glycine 881 retained).
Molecular consequence: synonymous variant. On other transcripts: intron variant (3).
Genome position (GRCh38, 1-based): chr16:23,626,341, A>G on the plus strand (T>C on the coding strand, the complement: PALB2 is on the minus strand). VCF-style: chr16-23626341-A-G. GRCh37 (hg19) VCF-style: chr16-23637662-A-G.
Other names: c.1758T>C, p.Gly586= (NM_001407308.1, NM_001407309.1, NM_001407310.1 and 4 more transcripts); c.855T>C, p.Gly285= (NM_001407312.1, NM_001407313.1); c.177T>C, p.Gly59= (NM_001407314.1); c.2587-2247T>C (NM_001407302.1, NM_001407298.1); c.1702-2247T>C (NM_001407307.1); c.2583T>C, p.Gly861= (NM_001407296.1); c.2571T>C, p.Gly857= (NM_001407297.1); c.2643T>C, p.Gly881= (NM_001407299.1, NM_001407300.1, NM_001407301.1).
Identifiers: ClinVar variation 3903708 (VCV003903708.2).